The following is an entry in ClinVar:

NM_021964.3(ZNF148):c.1363A>G (p.Ser455Gly)

Gene: ZNF148 (zinc finger protein 148; minus strand). Cytogenetic location: 3q21.2.
Variant type: single nucleotide variant.
Coding change: c.1363A>G on transcript NM_021964.3 (MANE Select); coding-DNA position 1363, A replaced by G.
Protein change: p.Ser455Gly; replaces serine 455 with glycine.
Molecular consequence: missense variant.
Genome position (GRCh38, 1-based): chr3:125,233,363, T>C on the plus strand (A>G on the coding strand, the complement: ZNF148 is on the minus strand). VCF-style: chr3-125233363-T-C. GRCh37 (hg19) VCF-style: chr3-124952207-T-C.
Other names: c.1363A>G, p.Ser455Gly (NM_001348427.2, NM_001348428.2, NM_001348429.2 and 7 more transcripts); c.1237A>G, p.Ser413Gly (NM_001348434.2); short protein forms S413G, S455G.
Identifiers: ClinVar variation 2208510 (VCV002208510.4), dbSNP rs376884186, ClinGen allele CA2585256.

ClinVar aggregate classification (germline): Conflicting classifications of pathogenicity. Review status: criteria provided, conflicting classifications (1 of 4 stars). 2 submissions from 2 submitters: Uncertain significance (1); Likely benign (1). Last evaluated 2025-10-22.

Conditions:
ZNF148-related disorder. Also called: ZNF148-related condition.
Inborn genetic diseases. Identifiers: MedGen C0950123, MeSH D030342.

Allele frequency attached by ClinVar (database versions not stated): ExAC 0.00001; gnomAD 0.00001; TOPMed 0.00002; gnomAD exomes 0.00004; ESP Exome Variant Server 0.00008.
gnomAD v4.1: 58 of 1,613,868 alleles (0.0036%); highest among the groups gnomAD compares: Non-Finnish European, 0.0048%; no homozygotes.

Submissions (2):

Ambry Genetics
Classification: Uncertain significance for Inborn genetic diseases. Last evaluated: 2025-10-22. Review status: criteria provided, single submitter. Criteria: Ambry Variant Classification Scheme 2023. Collection method: clinical testing. Allele origin: germline.

PreventionGenetics, part of Exact Sciences
Classification: Likely benign for ZNF148-related condition. Last evaluated: 2025-01-23. Review status: criteria provided, single submitter. Criteria: ACMG Guidelines, 2015. Collection method: clinical testing. Allele origin: germline.
Comment: This variant is classified as likely benign based on ACMG/AMP sequence variant interpretation guidelines (Richards et al. 2015 PMID: 25741868, with internal and published modifications).